The following is an entry in ClinVar:

ClinVar aggregate classification (germline): Uncertain significance (1 of 4 stars; one submission).

Allele frequency attached by ClinVar (database versions not stated): gnomAD 0.00007; TOPMed 0.00010; ExAC 0.00011; 1000 Genomes Project 30x 0.00016; 1000 Genomes Project 0.00020.
gnomAD v4.1: 87 of 1,609,074 alleles (0.0054%); highest among the groups gnomAD compares: Admixed American, 0.018%; no homozygotes.

Submission:

Labcorp Genetics (formerly Invitae), Labcorp
Classification: Uncertain significance. Last evaluated: 2025-12-11. Review status: criteria provided, single submitter. Criteria: Invitae Variant Classification Sherloc (09022015). Collection method: clinical testing. Allele origin: germline.
Comment: This sequence change replaces alanine, which is neutral and non-polar, with threonine, which is neutral and polar, at codon 2280 of the ACAN protein (p.Ala2280Thr). This variant is present in population databases (rs531336434, gnomAD 0.01%). This variant has not been reported in the literature in individuals affected with ACAN-related conditions. ClinVar contains an entry for this variant (Variation ID: 1522089). An algorithm developed to predict the effect of missense changes on protein structure and function outputs the following: PolyPhen-2: "Probably Damaging". The threonine amino acid residue is found in multiple mammalian species, which suggests that this missense change does not adversely affect protein function. In summary, the available evidence is currently insufficient to determine the role of this variant in disease. Therefore, it has been classified as a Variant of Uncertain Significance.

NM_001369268.1(ACAN):c.6838G>A (p.Ala2280Thr)

Gene: ACAN (aggrecan; plus strand). Cytogenetic location: 15q26.1.
Variant type: single nucleotide variant.
Coding change: c.6838G>A on transcript NM_001369268.1 (MANE Select); coding-DNA position 6838, G replaced by A.
Protein change: p.Ala2280Thr; replaces alanine 2280 with threonine.
Molecular consequence: missense variant. On other transcripts: intron variant (1).
Genome position (GRCh38, 1-based): chr15:88,860,331, G>A. VCF-style: chr15-88860331-G-A. GRCh37 (hg19) VCF-style: chr15-89403562-G-A.
Other names: c.6838G>A, p.Ala2280Thr (NM_013227.4); c.6832+914G>A (NM_001135.4); short protein forms A2280T.
Identifiers: ClinVar variation 1522089 (VCV001522089.8), dbSNP rs531336434, ClinGen allele CA7720507.